The following is an entry in ClinVar:

NM_003737.4(DCHS1):c.7649C>A (p.Ala2550Glu)

Gene: DCHS1 (dachsous cadherin-related 1; minus strand). Cytogenetic location: 11p15.4.
Variant type: single nucleotide variant.
Coding change: c.7649C>A on transcript NM_003737.4 (MANE Select); coding-DNA position 7649, C replaced by A.
Protein change: p.Ala2550Glu; replaces alanine 2550 with glutamic acid.
Molecular consequence: missense variant.
Genome position (GRCh38, 1-based): chr11:6,624,027, G>T on the plus strand (C>A on the coding strand, the complement: DCHS1 is on the minus strand). VCF-style: chr11-6624027-G-T. GRCh37 (hg19) VCF-style: chr11-6645258-G-T.
Other names: short protein forms A2550E.
Identifiers: ClinVar variation 3080456 (VCV003080456.16), dbSNP rs1031503637, ClinGen allele CA217329889.
Genomic context (GRCh38, chr11:6,624,027, plus strand): 5'-AGATTGTACTGTGTCAGGCTTTCAAAGTCTAGAGGTTCAAGCAACACCAGGCAGCCCAGT[G>T]CCCGGGGGCCTGGTCCAGCACTCTCCCCAGCCTCAGCCAGCCTGGGTTCCAGCTGGAAGA-3'
Protein context (NP_003728.1, residues 2540-2560): AGESAGPGPR[Ala2550Glu]LGCLVLLEPL

ClinVar aggregate classification (germline): Uncertain significance. Review status: criteria provided, multiple submitters, no conflicts (2 of 4 stars). 4 submissions from 4 submitters: Uncertain significance (4). Last evaluated 2024-12-01.

Conditions:
Inborn genetic diseases. Identifiers: MedGen C0950123, MeSH D030342.
Congenital heart disease (CHD). Identifiers: MedGen C0152021, MONDO:0005453. Disease mechanism: unknown.
Mitral valve prolapse, myxomatous 2. Also called: Mitral valve prolapse 2; MMVP2. Identifiers: MedGen C1843003, MONDO:0011915, OMIM 607829.
Van Maldergem syndrome 1 (VMLDS1). Also called: Van Maldergem syndrome 1 (VMLDS1). Identifiers: Orphanet 314679, MedGen C4551950, MONDO:0011070, OMIM 601390.

Allele frequency attached by ClinVar (database versions not stated): gnomAD 0.00001; TOPMed 0.00001.
gnomAD v4.1: 6 of 1,613,600 alleles (0.00037%); highest among the groups gnomAD compares: Middle Eastern, 0.016%; no homozygotes.

Submissions (4):

CeGaT Center for Human Genetics Tuebingen
Classification: Uncertain significance. Last evaluated: 2024-12-01. Review status: criteria provided, single submitter. Criteria: CeGaT Center For Human Genetics Tuebingen Variant Classification Criteria Version 2. Collection method: clinical testing. Allele origin: germline. Affected: yes. Observed: 1 variant allele.
Comment: DCHS1: PM2

Clinical Genomics Laboratory, Washington University in St. Louis
Classification: Uncertain significance for Mitral valve prolapse, myxomatous 2; Van Maldergem syndrome 1. Last evaluated: 2024-04-02. Review status: criteria provided, single submitter. Criteria: ACMG Guidelines, 2015. Collection method: clinical testing. Allele origin: germline.
Comment: The DCHS1 c.7649C>A (p.Ala2550Glu) variant was identified at a near heterozygous allelic fraction that may be consistent with germline origin. This variant, to our knowledge, has not been reported in the medical literature. This variant is only observed on 6/1,613,600 alleles in the general population (gnomAD v.4.0.0), indicating it is not a common variant. Computational predictors suggest that the variant does not impact DCHS1 function. Due to limited information and based on ACMG/AMP guidelines for variant interpretation (Richards S et al., PMID: 25741868), the clinical significance of this variant is uncertain at this time.

Ambry Genetics
Classification: Uncertain significance for Inborn genetic diseases. Last evaluated: 2023-12-18. Review status: criteria provided, single submitter. Criteria: Ambry Variant Classification Scheme 2023. Collection method: clinical testing. Allele origin: germline.

Department of Pathology and Laboratory Medicine, Sinai Health System
Classification: Uncertain significance for congenital heart disease. Last evaluated: 2021-11-08. Review status: criteria provided, single submitter. Criteria: ACMG Guidelines, 2015. Collection method: research. Allele origin: germline.